The following is an entry in ClinVar:

NM_001831.4(CLU):c.1192G>A (p.Val398Ile)

Gene: CLU (clusterin; minus strand). Cytogenetic location: 8p21.1.
Variant type: single nucleotide variant.
Coding change: c.1192G>A on transcript NM_001831.4 (MANE Select); coding-DNA position 1192, G replaced by A.
Protein change: p.Val398Ile; replaces valine 398 with isoleucine.
Molecular consequence: missense variant. On other transcripts: non-coding transcript variant (2).
Genome position (GRCh38, 1-based): chr8:27,598,608, C>T on the plus strand (G>A on the coding strand, the complement: CLU is on the minus strand). VCF-style: chr8-27598608-C-T. GRCh37 (hg19) VCF-style: chr8-27456125-C-T.
Other names: short protein forms V398I.
Identifiers: ClinVar variation 3389077 (VCV003389077.14).

ClinVar aggregate classification (germline): Likely benign (1 of 4 stars; one submission).

gnomAD v4.1: 13 of 1,613,974 alleles (0.00081%); highest among the groups gnomAD compares: South Asian, 0.0022%; no homozygotes.

Submission:

CeGaT Center for Human Genetics Tuebingen
Classification: Likely benign. Last evaluated: 2024-11-01. Review status: criteria provided, single submitter. Criteria: CeGaT Center For Human Genetics Tuebingen Variant Classification Criteria Version 2. Collection method: clinical testing. Allele origin: germline. Affected: yes. Observed: 1 variant allele.
Comment: CLU: BP4